The following is an entry in ClinVar:

ClinVar aggregate classification (germline): Likely benign. Review status: criteria provided, multiple submitters, no conflicts (2 of 4 stars). 3 submissions from 3 submitters: Likely benign (2). 1 of the submissions does not count toward it. Last evaluated 2023-06-23.

Conditions:
LMF1-related disorder. Also called: LMF1-related condition.
Cardiovascular phenotype. Identifiers: MedGen CN230736.

Allele frequency attached by ClinVar (database versions not stated): gnomAD exomes 0.00001; TOPMed 0.00011; gnomAD 0.00016.
gnomAD v4.1: 35 of 1,560,614 alleles (0.0022%); highest among the groups gnomAD compares: African/African-American, 0.038%; no homozygotes.

Submissions (3):

Labcorp Genetics (formerly Invitae), Labcorp
Classification: Likely benign. Last evaluated: 2023-06-23. Review status: criteria provided, single submitter. Criteria: Invitae Variant Classification Sherloc (09022015). Collection method: clinical testing. Allele origin: germline.

Ambry Genetics
Classification: Likely benign for Cardiovascular phenotype. Last evaluated: 2022-03-09. Review status: criteria provided, single submitter. Criteria: Ambry Variant Classification Scheme 2023. Collection method: clinical testing. Allele origin: germline.

PreventionGenetics, part of Exact Sciences
Classification: Likely benign for LMF1-related condition. Last evaluated: 2019-06-18. Review status: no assertion criteria provided. Collection method: clinical testing. Allele origin: germline. Not counted in ClinVar's aggregate classification.
Comment: This variant is classified as likely benign based on ACMG/AMP sequence variant interpretation guidelines (Richards et al. 2015 PMID: 25741868, with internal and published modifications).

NM_022773.4(LMF1):c.45G>T (p.Leu15=)

Genes: LMF1 (lipase maturation factor 1; minus strand), LOC130058141 (ATAC-STARR-seq lymphoblastoid silent region 6962; plus strand). Cytogenetic location: 16p13.3.
Variant type: single nucleotide variant.
Coding change: c.45G>T on transcript NM_022773.4 (MANE Select); coding-DNA position 45, G replaced by T.
Protein change: p.Leu15=; no amino-acid change (leucine 15 retained).
Molecular consequence: synonymous variant. On other transcripts: 5 prime UTR variant (1), non-coding transcript variant (1), intron variant (3).
Genome position (GRCh38, 1-based): chr16:970,936, C>A on the plus strand (G>T on the coding strand, the complement: LMF1 is on the minus strand). VCF-style: chr16-970936-C-A. GRCh37 (hg19) VCF-style: chr16-1020936-C-A.
Other names: c.45G>T, p.Leu15= (NM_001352020.1); c.-661G>T (NM_001352021.2); c.-135+10209G>T (NM_001352019.2); c.-611+10209G>T (NM_001352017.2); c.-362+10209G>T (NM_001352018.2).
Identifiers: ClinVar variation 1741806 (VCV001741806.7), dbSNP rs957845435, ClinGen allele CA276558880.